The following is an entry in ClinVar:

NM_001371596.2(MFSD8):c.1102+6G>A

Gene: MFSD8 (major facilitator superfamily domain containing 8; minus strand). Cytogenetic location: 4q28.2.
Variant type: single nucleotide variant.
Coding change: c.1102+6G>A on transcript NM_001371596.2 (MANE Select); 6 bases into the intron after coding-DNA position 1102, G replaced by A.
Molecular consequence: intron variant.
Genome position (GRCh38, 1-based): chr4:127,921,854, C>T on the plus strand (G>A on the coding strand, the complement: MFSD8 is on the minus strand). VCF-style: chr4-127921854-C-T. GRCh37 (hg19) VCF-style: chr4-128843009-C-T.
Other names: c.820+6G>A (NM_001371595.1); c.652+6G>A (NM_001410765.1); c.967+6G>A (NM_001371590.2); c.1102+6G>A (NM_152778.4, NM_001371591.2); c.787+6G>A (NM_001363521.3); c.885-83G>A (NM_001410766.1); c.988+6G>A (NM_001371593.2); c.901+6G>A (NM_001363520.3); and 2 more.
Identifiers: ClinVar variation 1438530 (VCV001438530.6), dbSNP rs772154101, ClinGen allele CA105671056.

ClinVar aggregate classification (germline): Uncertain significance (1 of 4 stars; one submission).

Conditions:
Neuronal ceroid lipofuscinosis 7 (CLN7). Also called: MFSD8-Related Neuronal Ceroid-Lipofuscinosis. Identifiers: Orphanet 168491, Orphanet 228366, MedGen C1838571, MONDO:0012588, OMIM 610951.

Allele frequency attached by ClinVar (database versions not stated): gnomAD exomes below 0.00001; gnomAD 0.00002 and 0.00003; TOPMed 0.00002.
gnomAD v4.1: 10 of 1,613,788 alleles (0.00062%); highest among the groups gnomAD compares: African/African-American, 0.0027%; no homozygotes.

Submission:

Labcorp Genetics (formerly Invitae), Labcorp
Classification: Uncertain significance for Neuronal ceroid lipofuscinosis 7. Last evaluated: 2025-07-14. Review status: criteria provided, single submitter. Criteria: Invitae Variant Classification Sherloc (09022015). Collection method: clinical testing. Allele origin: germline.
Comment: This sequence change falls in intron 11 of the MFSD8 gene. It does not directly change the encoded amino acid sequence of the MFSD8 protein. It affects a nucleotide within the consensus splice site. This variant is present in population databases (rs772154101, gnomAD 0.0009%). This variant has not been reported in the literature in individuals affected with MFSD8-related conditions. ClinVar contains an entry for this variant (Variation ID: 1438530). Variants that disrupt the consensus splice site are a relatively common cause of aberrant splicing (PMID: 17576681, 9536098). Algorithms developed to predict the effect of sequence changes on RNA splicing suggest that this variant is not likely to affect RNA splicing. In summary, the available evidence is currently insufficient to determine the role of this variant in disease. Therefore, it has been classified as a Variant of Uncertain Significance.

Literature cited by the submitters: PubMed 17576681; PubMed 9536098.